The following continues an entry in ClinVar:

NM_198253.3(TERT):c.1234C>T (p.His412Tyr)

Gene: TERT. ClinVar aggregate classification (germline): Conflicting classifications of pathogenicity. Uncertain significance (2); Benign (5); Likely benign (12).

Submissions 15 to 22 of 22:

Illumina Laboratory Services, Illumina
Classification: Likely benign for Pulmonary fibrosis and/or bone marrow failure, Telomere-related, 1. Last evaluated: 2017-04-27. Review status: criteria provided, single submitter. Criteria: ICSL Variant Classification Criteria 13 December 2019. Collection method: clinical testing. Allele origin: germline.
Comment: This variant was observed as part of a predisposition screen in an ostensibly healthy population. A literature search was performed for the gene, cDNA change, and amino acid change (where applicable). No publications were found based on this search. Allele frequency data from public databases allowed determination this variant is unlikely to cause disease. Therefore, this variant is classified as likely benign.

Eurofins Ntd Llc (ga)
Classification: Likely benign. Last evaluated: 2017-03-31. Review status: criteria provided, single submitter. Criteria: EGL Classification Definitions 2015. Collection method: clinical testing. Allele origin: germline. Observed: 1 variant allele, 1 heterozygote.

Center for Pediatric Genomic Medicine, Children's Mercy Hospital and Clinics
Classification: Likely benign. Last evaluated: 2016-11-15. Review status: criteria provided, single submitter. Criteria: ACMG Guidelines, 2015. Collection method: clinical testing. Allele origin: germline.
ClinVar note: Converted during submission from Likely Benign to Likely benign.

Laboratory for Molecular Medicine, Mass General Brigham Personalized Medicine
Classification: Likely benign. Last evaluated: 2015-02-24. Review status: criteria provided, single submitter. Criteria: LMM Criteria. Collection method: clinical testing. Allele origin: germline. Observed: 2 variant alleles.
Comment: p.His412Tyr in exon 2 of TERT: This variant is not expected to have clinical sig nificance because it has been identified in 1.5% (115/7512) of European chromoso mes by the Exome Aggregation Consortium (ExAC; d bSNP rs34094720). In addition, the histidine (His) residue at position 412 is no t conserved in mammals and other evolutionarily distant species, and the change to tyrosine (Tyr) is present in 2 mammals.

Center for Genomics, Ann and Robert H. Lurie Children's Hospital of Chicago
Classification: Likely benign for Dyskeratosis congenita, autosomal dominant 2; Melanoma, cutaneous malignant, susceptibility to, 9; Pulmonary fibrosis and/or bone marrow failure, Telomere-related, 1; Acute myeloid leukemia. Review status: criteria provided, single submitter. Criteria: ACMG Guidelines, 2015. Collection method: clinical testing. Allele origin: germline.
Comment: This variant has been reported in the literature in at least 6 individuals with varying phenotypes (aplastic anemia, idiopathic interstitial pneumonias, hypoxemia, diffuse cutaneous systemic sclerosis, and bone marrow failure) (Yamaguchi 2005 PMID:15814878, Alder 2008 PMID:18753630, Sugino 2015 PMID:26576048, Mak 2016 PMID:27111861, Bluteau 2018 PMID:29146883). However, this variant is present in 0.4% (384/83108) of European alleles, including 2 homozygotes, in the Genome Aggregation Database. This variant is present in ClinVar, with several labs classifying this variant as likely benign or benign (Variation ID:12730). Evolutionary conservation suggests that this variant may not impact the protein; computational predictive tools for this variant are unclear. Functional studies for this variant have reported a wide range of outcomes from a reduction in activity to 36% of wild-type to near normal activity (Yamaguchi 2005 PMID:15814878, Alder 2008 PMID:18753630, Du 2008 PMID:18042801, Zaug 2013 PMID:23901009). In summary, data on this variant suggests that this variant does not cause disease, but requires further evidence. Therefore, this variant is classified as Likely Benign.

OMIM
Classification: Pathogenic for PULMONARY FIBROSIS AND/OR BONE MARROW FAILURE SYNDROME, TELOMERE-RELATED, 1. Last evaluated: 2008-02-01. Review status: no assertion criteria provided. Collection method: literature only. Allele origin: germline. Not counted in ClinVar's aggregate classification.

OMIM
Classification: Pathogenic for DYSKERATOSIS CONGENITA, AUTOSOMAL RECESSIVE 4. Last evaluated: 2008-02-01. Review status: no assertion criteria provided. Collection method: literature only. Allele origin: germline. Not counted in ClinVar's aggregate classification.

GeneReviews
No classification provided. Condition: Aplastic anemia. Review status: no classification provided. Collection method: literature only. Allele origin: unknown. Not counted in ClinVar's aggregate classification.

Literature cited by the submitters: PubMed 15814878 (cited by 4 submitters); PubMed 18042801 (cited by 4 submitters); PubMed 18753630 (cited by Ambry Genetics and Laboratory for Molecular Medicine, Mass General Brigham Personalized Medicine); PubMed 23901009 (cited by 3 submitters); PubMed 23905534 (cited by Ambry Genetics); PubMed 18931339 (cited by Illumina Laboratory Services, Illumina); PubMed 21258621 (cited by Illumina Laboratory Services, Illumina); PubMed 20301779 (cited by GeneReviews); NCBI Bookshelf NBK22301 (cited by GeneReviews).